The following is an entry in ClinVar:

NM_001277115.2(DNAH11):c.9527G>A (p.Cys3176Tyr)

Gene: DNAH11 (dynein axonemal heavy chain 11; plus strand). Cytogenetic location: 7p15.3.
Variant type: single nucleotide variant.
Coding change: c.9527G>A on transcript NM_001277115.2 (MANE Select); coding-DNA position 9527, G replaced by A.
Protein change: p.Cys3176Tyr; replaces cysteine 3176 with tyrosine.
Molecular consequence: missense variant.
Genome position (GRCh38, 1-based): chr7:21,784,470, G>A. VCF-style: chr7-21784470-G-A. GRCh37 (hg19) VCF-style: chr7-21824088-G-A.
Other names: short protein forms C3176Y.
Identifiers: ClinVar variation 3671094 (VCV003671094.2).
Genomic context (GRCh38, chr7:21,784,470, plus strand): 5'-TTTTCCTCTTTAATTAGGTGACAGCCATTCAGACTGAAGTGTTCCAGAAACAGAGAGAAT[G>A]TGAAGCTGACTTACTCAAGGCTGAGCCTGCACTGGTGGCTGCTACAGCTGCACTCAATAC-3'
Protein context (NP_001264044.1, residues 3166-3186): QTEVFQKQRE[Cys3176Tyr]EADLLKAEPA

ClinVar aggregate classification (germline): Uncertain significance (1 of 4 stars; one submission).

Conditions:
Primary ciliary dyskinesia. Also called: Ciliary dyskinesia. Identifiers: Orphanet 244, MedGen C0008780, MONDO:0016575, HP:0012265.

gnomAD v4.1: 2 of 1,613,566 alleles (0.00012%); highest among the groups gnomAD compares: Non-Finnish European, 0.00017%; no homozygotes.

Submission:

Labcorp Genetics (formerly Invitae), Labcorp
Classification: Uncertain significance for Primary ciliary dyskinesia. Last evaluated: 2024-10-07. Review status: criteria provided, single submitter. Criteria: Invitae Variant Classification Sherloc (09022015). Collection method: clinical testing. Allele origin: germline.
Comment: This sequence change replaces cysteine, which is neutral and slightly polar, with tyrosine, which is neutral and polar, at codon 3176 of the DNAH11 protein (p.Cys3176Tyr). This variant is not present in population databases (gnomAD no frequency). This variant has not been reported in the literature in individuals affected with DNAH11-related conditions. Invitae Evidence Modeling of protein sequence and biophysical properties (such as structural, functional, and spatial information, amino acid conservation, physicochemical variation, residue mobility, and thermodynamic stability) has been performed for this missense variant. However, the output from this modeling did not meet the statistical confidence thresholds required to predict the impact of this variant on DNAH11 protein function. In summary, the available evidence is currently insufficient to determine the role of this variant in disease. Therefore, it has been classified as a Variant of Uncertain Significance.